The following is an entry in ClinVar:

NM_206933.4(USH2A):c.3368A>G (p.Tyr1123Cys)

Genes: USH2A (usherin; minus strand), USH2A-AS1 (USH2A antisense RNA 1; plus strand). Cytogenetic location: 1q41.
Variant type: single nucleotide variant.
Coding change: c.3368A>G on transcript NM_206933.4 (MANE Select); coding-DNA position 3368, A replaced by G.
Protein change: p.Tyr1123Cys; replaces tyrosine 1123 with cysteine.
Molecular consequence: missense variant.
Genome position (GRCh38, 1-based): chr1:216,200,070, T>C on the plus strand (A>G on the coding strand, the complement: USH2A is on the minus strand). VCF-style: chr1-216200070-T-C. GRCh37 (hg19) VCF-style: chr1-216373412-T-C.
Other names: c.3368A>G, p.Tyr1123Cys (NM_007123.6); short protein forms Y1123C.
Identifiers: ClinVar variation 242397 (VCV000242397.16), dbSNP rs775177930, ClinGen allele CA1396001.
Genomic context (GRCh38, chr1:216,200,070, plus strand): 5'-GTCTTGTAAGTGACAGCTACACTCCTTGTTGAACCATGCACATTGGTGGTCTCAATGTAA[T>C]AGGAATATTTGGTATATGGTAACAGGTCTGTGTCTAAGAAGTATTGAATACCTGAAATGA-3'
Protein context (NP_996816.3, residues 1113-1133): TDLLPYTKYS[Tyr1123Cys]YIETTNVHGS

ClinVar aggregate classification (germline): Pathogenic/Likely pathogenic. Review status: criteria provided, multiple submitters, no conflicts (2 of 4 stars). 8 submissions from 7 submitters: Pathogenic (3); Likely pathogenic (5). Last evaluated 2026-03-06.

Conditions:
USH2A-related disorder. Also called: USH2A-related disorders; USH2A-related condition. Identifiers: MedGen CN239332.
Usher syndrome. Also called: Usher Syndromes; Usher's syndrome. Identifiers: Orphanet 886, MedGen CN469326, MeSH D052245, MONDO:0019501. Disease mechanism: loss of function.
Usher syndrome type 2A. Also called: RETINAL DISEASE IN USHER SYNDROME TYPE IIA, MODIFIER OF; USHER SYNDROME, TYPE IIA. Identifiers: Orphanet 231178, Orphanet 886, MedGen C1848634, MONDO:0010169, OMIM 276901.
Retinitis pigmentosa 39 (RP39). Identifiers: Orphanet 791, MedGen C3151138, MONDO:0013436, OMIM 613809.

Allele frequency attached by ClinVar (database versions not stated): gnomAD 0.00001; gnomAD exomes 0.00001 and 0.00002; ExAC 0.00002; TOPMed 0.00002.
gnomAD v4.1: 17 of 1,613,334 alleles (0.0011%); highest among the groups gnomAD compares: Admixed American, 0.0033%; no homozygotes.

Submissions (8):

Women's Health and Genetics/Laboratory Corporation of America, LabCorp
Classification: Pathogenic for Usher syndrome. Last evaluated: 2026-03-06. Review status: criteria provided, single submitter. Criteria: LabCorp Variant Classification Summary - May 2015. Collection method: clinical testing. Allele origin: germline.
Comment: Variant summary: USH2A c.3368A>G (p.Tyr1123Cys) results in a non-conservative amino acid change in the encoded protein sequence. Algorithms developed to predict the effect of missense changes on protein structure and function all suggest that this variant is likely to be disruptive. The variant allele was found at a frequency of 1.6e-05 in 250852 control chromosomes. c.3368A>G has been reported in the literature as a biallelic genotype in individuals affected with Usher Syndrome (Behar_2014, Colombo_2021, internal data) and autosomal recessive Retinitis Pigmentosa (Pierrache_2016, Jauregui_2020). It has also been reported as monoallelic/unspecified genotypes in individuals with nonsyndromic hearing loss & suspected Usher syndrome (Cremers_2007, Vozzi_2011, van Huet_2015). These data indicate that the variant is likely to be associated with disease. A different variant affecting the same codon has been classified as likely pathogenic/pathogenic by our lab (c.3367T>C, p.Tyr1123His), supporting the critical relevance of codon 1123 to USH2A protein function. The following publications have been ascertained in the context of this evaluation (PMID: 24367894, 33111345, 33576794, 16963483, 32098976, 26927203, 21738395, 25999674). ClinVar contains an entry for this variant (Variation ID: 242397). Based on the evidence outlined above, the variant was classified as pathogenic.

Natera, Inc.
Classification: Likely pathogenic for Usher syndrome type 2A. Last evaluated: 2025-05-15. Review status: criteria provided, single submitter. Criteria: Natera Variant Classification Schema (03/2026). Collection method: clinical testing. Allele origin: germline.
Comment: The c.3368A>G variant in USH2A is a missense variant predicted to cause substitution of tyrosine to cysteine at amino acid 1123. This variant is rare in the general population with a frequency below the threshold expected for the associated phenotype(s). This variant has been observed in one or more individuals affected with the associated recessive disease, as either homozygous or compound heterozygous with a second variant (PMID: 33111345, 35672425, 26927203, 32098976, 24367894, 39560289). Computational prediction algorithms indicate this variant is likely to affect gene or protein function. Given the available evidence, this variant is classified as Likely Pathogenic.

Labcorp Genetics (formerly Invitae), Labcorp
Classification: Pathogenic. Last evaluated: 2025-02-10. Review status: criteria provided, single submitter. Criteria: Invitae Variant Classification Sherloc (09022015). Collection method: clinical testing. Allele origin: germline.
Comment: This sequence change replaces tyrosine, which is neutral and polar, with cysteine, which is neutral and slightly polar, at codon 1123 of the USH2A protein (p.Tyr1123Cys). This variant is present in population databases (rs775177930, gnomAD 0.03%). This missense change has been observed in individual(s) with USH2A-related conditions and/or Usher syndrome (PMID: 24367894, 26927203, 33576794; internal data). In at least one individual the data is consistent with being in trans (on the opposite chromosome) from a pathogenic variant. ClinVar contains an entry for this variant (Variation ID: 242397). Invitae Evidence Modeling of protein sequence and biophysical properties (such as structural, functional, and spatial information, amino acid conservation, physicochemical variation, residue mobility, and thermodynamic stability) indicates that this missense variant is expected to disrupt USH2A protein function with a positive predictive value of 95%. This variant disrupts the p.Tyr1123 amino acid residue in USH2A. Other variant(s) that disrupt this residue have been observed in individuals with USH2A-related conditions (PMID: 16963483, 26927203, 28559085), which suggests that this may be a clinically significant amino acid residue. For these reasons, this variant has been classified as Pathogenic.

Blueprint Genetics
Classification: Pathogenic for USH2A-related disorders. Last evaluated: 2024-07-02. Review status: criteria provided, single submitter. Criteria: ACMG Guidelines, 2015. Collection method: clinical testing. Allele origin: germline. Affected: yes. Observed: 5 variant alleles.

Baylor Genetics
Classification: Likely pathogenic for Retinitis pigmentosa 39. Last evaluated: 2023-12-27. Review status: criteria provided, single submitter. Criteria: ACMG Guidelines, 2015. Collection method: clinical testing. Allele origin: unknown.

Genome-Nilou Lab
Classification: Likely pathogenic for Retinitis pigmentosa 39. Last evaluated: 2023-04-11. Review status: criteria provided, single submitter. Criteria: ACMG Guidelines, 2015. Collection method: clinical testing. Allele origin: germline. Affected: no.

Genome-Nilou Lab
Classification: Likely pathogenic for Usher syndrome type 2A. Last evaluated: 2023-04-11. Review status: criteria provided, single submitter. Criteria: ACMG Guidelines, 2015. Collection method: clinical testing. Allele origin: germline. Affected: no.

Mendelics
Classification: Likely pathogenic for Usher syndrome type 2A. Last evaluated: 2019-05-28. Review status: criteria provided, single submitter. Criteria: Mendelics Assertion Criteria 2017. Collection method: clinical testing. Allele origin: unknown.

Literature cited by the submitters: PubMed 16963483 (cited by Women's Health and Genetics/Laboratory Corporation of America, LabCorp and Labcorp Genetics (formerly Invitae), Labcorp); PubMed 26927203 (cited by 3 submitters); PubMed 25999674 (cited by Women's Health and Genetics/Laboratory Corporation of America, LabCorp); PubMed 33576794 (cited by Women's Health and Genetics/Laboratory Corporation of America, LabCorp and Labcorp Genetics (formerly Invitae), Labcorp); PubMed 24367894 (cited by 3 submitters); PubMed 32098976 (cited by Women's Health and Genetics/Laboratory Corporation of America, LabCorp and Natera, Inc.); PubMed 33111345 (cited by Women's Health and Genetics/Laboratory Corporation of America, LabCorp and Natera, Inc.); PubMed 21738395 (cited by Women's Health and Genetics/Laboratory Corporation of America, LabCorp); PubMed 35672425 (cited by Natera, Inc.); PubMed 39560289 (cited by Natera, Inc.); PubMed 28559085 (cited by Labcorp Genetics (formerly Invitae), Labcorp).